The following is an entry in ClinVar:

NM_003128.3(SPTBN1):c.5823-10C>T

Gene: SPTBN1 (spectrin beta, non-erythrocytic 1; plus strand). Cytogenetic location: 2p16.2.
Variant type: single nucleotide variant.
Coding change: c.5823-10C>T on transcript NM_003128.3 (MANE Select); 10 bases into the intron before coding-DNA position 5823, C replaced by T.
Molecular consequence: intron variant.
Genome position (GRCh38, 1-based): chr2:54,655,060, C>T. VCF-style: chr2-54655060-C-T. GRCh37 (hg19) VCF-style: chr2-54882197-C-T.
Other names: c.5784-10C>T (NM_178313.3).
Identifiers: ClinVar variation 4885351 (VCV004885351.2).

ClinVar aggregate classification (germline): Uncertain significance (1 of 4 stars; one submission).

Submission:

Dasa
Classification: Uncertain significance. Last evaluated: 2024-12-27. Review status: criteria provided, single submitter. Criteria: DASA Assertion Criteria. Collection method: clinical testing. Allele origin: germline.
Comment: NM_003128.3(SPTBN1):c.5823-10C>T is a splice-region variant. This variant is absent from population databases. Computational prediction algorithms are consistent with a benign effect. The currently available literature and clinical evidence are not sufficient to establish a definitive association between this variant and the reported condition. Therefore, this variant is classified as a variant of uncertain significance.